The following is an entry in ClinVar:

ClinVar aggregate classification (germline): Uncertain significance (1 of 4 stars; one submission).

gnomAD v4.1: 2 of 1,614,076 alleles (0.00012%); highest among the groups gnomAD compares: Admixed American, 0.0033%; no homozygotes.

Submission:

Labcorp Genetics (formerly Invitae), Labcorp
Classification: Uncertain significance. Last evaluated: 2024-01-15. Review status: criteria provided, single submitter. Criteria: Invitae Variant Classification Sherloc (09022015). Collection method: clinical testing. Allele origin: germline.
Comment: This sequence change replaces proline, which is neutral and non-polar, with leucine, which is neutral and non-polar, at codon 1545 of the SZT2 protein (p.Pro1545Leu). This variant is present in population databases (no rsID available, gnomAD 0.003%). This variant has not been reported in the literature in individuals affected with SZT2-related conditions. ClinVar contains an entry for this variant (Variation ID: 2110791). Advanced modeling of protein sequence and biophysical properties (such as structural, functional, and spatial information, amino acid conservation, physicochemical variation, residue mobility, and thermodynamic stability) performed at Invitae indicates that this missense variant is not expected to disrupt SZT2 protein function with a negative predictive value of 80%. In summary, the available evidence is currently insufficient to determine the role of this variant in disease. Therefore, it has been classified as a Variant of Uncertain Significance.

NM_001365999.1(SZT2):c.4805C>T (p.Pro1602Leu)

Gene: SZT2 (SZT2 subunit of KICSTOR complex; plus strand). Cytogenetic location: 1p34.2.
Variant type: single nucleotide variant.
Coding change: c.4805C>T on transcript NM_001365999.1 (MANE Select); coding-DNA position 4805, C replaced by T.
Protein change: p.Pro1602Leu; replaces proline 1602 with leucine.
Molecular consequence: missense variant.
Genome position (GRCh38, 1-based): chr1:43,430,979, C>T. VCF-style: chr1-43430979-C-T. GRCh37 (hg19) VCF-style: chr1-43896650-C-T.
Other names: c.4634C>T, p.Pro1545Leu (NM_015284.4); short protein forms P1545L, P1602L.
Identifiers: ClinVar variation 2110791 (VCV002110791.4), dbSNP rs568068900, ClinGen allele CA340022770.